The following is an entry in ClinVar:

NM_004092.4(ECHS1):c.198del (p.Ile66fs)

Gene: ECHS1 (enoyl-CoA hydratase, short chain 1; minus strand). Cytogenetic location: 10q26.3.
Variant type: Deletion.
Coding change: c.198del on transcript NM_004092.4 (MANE Select); coding-DNA position 198, one base deleted (T; older notation c.198delT).
Protein change: p.Ile66fs; shifts the reading frame from isoleucine 66.
Molecular consequence: frameshift variant.
Genome position (GRCh38, 1-based): chr10:133,370,648, A deleted on the plus strand (T on the coding strand, the reverse complement: ECHS1 is on the minus strand); the first of 2 consecutive A bases (chr10:133,370,648-133,370,649); deleting either gives the same sequence. VCF-style (leftmost placement, unchanged base first): chr10-133370647-CA-C. GRCh37 (hg19) VCF-style: chr10-135184151-CA-C.
Other names: short protein forms I66fs.
Identifiers: ClinVar variation 3726858 (VCV003726858.2).

ClinVar aggregate classification (germline): Pathogenic (1 of 4 stars; one submission).

Submission:

Labcorp Genetics (formerly Invitae), Labcorp
Classification: Pathogenic. Last evaluated: 2024-12-08. Review status: criteria provided, single submitter. Criteria: Invitae Variant Classification Sherloc (09022015). Collection method: clinical testing. Allele origin: germline.
Comment: This sequence change creates a premature translational stop signal (p.Ile66Metfs*8) in the ECHS1 gene. It is expected to result in an absent or disrupted protein product. Loss-of-function variants in ECHS1 are known to be pathogenic (PMID: 25393721, 26000322, 27090768). This variant is not present in population databases (gnomAD no frequency). This variant has not been reported in the literature in individuals affected with ECHS1-related conditions. For these reasons, this variant has been classified as Pathogenic.

Literature cited by the submitters: PubMed 25393721; PubMed 26000322; PubMed 27090768.